The following is an entry in ClinVar:

ClinVar aggregate classification (germline): Uncertain significance (1 of 4 stars; one submission).

gnomAD v4.1: 1 of 1,572,742 alleles (0.000064%); highest among the groups gnomAD compares: Non-Finnish European, 0.000086%; no homozygotes.

Submissions (2):

Labcorp Genetics (formerly Invitae), Labcorp
Classification: Uncertain significance. Last evaluated: 2025-11-17. Review status: criteria provided, single submitter. Criteria: Invitae Variant Classification Sherloc (09022015). Collection method: clinical testing. Allele origin: germline.
Comment: This sequence change affects an acceptor splice site in intron 28 of the NEDD4L gene. It is expected to disrupt RNA splicing. Variants that disrupt the donor or acceptor splice site typically lead to a loss of protein function (PMID: 16199547), however the current clinical and genetic evidence is not sufficient to establish whether loss-of-function variants in NEDD4L cause disease. This variant is not present in population databases (gnomAD no frequency). This variant has not been reported in the literature in individuals affected with NEDD4L-related conditions. Algorithms developed to predict the effect of sequence changes on RNA splicing suggest that this variant may disrupt the consensus splice site. In summary, the available evidence is currently insufficient to determine the role of this variant in disease. Therefore, it has been classified as a Variant of Uncertain Significance.

Dr. Peter K. Rogan Lab, Western University
No classification provided (evidence only). Condition: Colon adenocarcinoma. Review status: no classification provided. Collection method: in vitro. Allele origin: not applicable. Functional consequence: retained intron. Not counted in ClinVar's aggregate classification.

Literature cited by the submitters: PubMed 16199547 (cited by Labcorp Genetics (formerly Invitae), Labcorp).

NM_001144967.3(NEDD4L):c.2753-2A>G

Gene: NEDD4L (NEDD4 like E3 ubiquitin protein ligase; plus strand). Cytogenetic location: 18q21.31.
Variant type: single nucleotide variant.
Coding change: c.2753-2A>G on transcript NM_001144967.3 (MANE Select); the canonical splice acceptor site of the intron before coding-DNA position 2753, A replaced by G.
Molecular consequence: splice acceptor variant.
Genome position (GRCh38, 1-based): chr18:58,391,485, A>G. VCF-style: chr18-58391485-A-G. GRCh37 (hg19) VCF-style: chr18-56058717-A-G.
Other names: NC_000018.9:g.56058717A>G; c.2693-2A>G (NM_015277.6); c.2561-2A>G (NM_001243960.2); c.2390-2A>G (NM_001144964.1, NM_001144965.2, NM_001144966.3); c.2330-2A>G (NM_001144971.2, NM_001144970.3); c.2729-2A>G (NM_001144968.2); c.2669-2A>G (NM_001144969.2); c.3590-2A>G (NM_001437337.1).
Identifiers: ClinVar variation 4432197 (VCV004432197.2).